The following is an entry in ClinVar:

ClinVar aggregate classification (germline): Uncertain significance (1 of 4 stars; one submission).

Allele frequency attached by ClinVar (database versions not stated): gnomAD 0.00002.
gnomAD v4.1: 5 of 1,524,364 alleles (0.00033%); highest among the groups gnomAD compares: Admixed American, 0.006%; no homozygotes.

Submission:

Labcorp Genetics (formerly Invitae), Labcorp
Classification: Uncertain significance. Last evaluated: 2024-10-10. Review status: criteria provided, single submitter. Criteria: Invitae Variant Classification Sherloc (09022015). Collection method: clinical testing. Allele origin: germline.
Comment: This sequence change replaces histidine, which is basic and polar, with glutamine, which is neutral and polar, at codon 3 of the ARID1B protein (p.His3Gln). This variant is not present in population databases (gnomAD no frequency). This variant has not been reported in the literature in individuals affected with ARID1B-related conditions. Invitae Evidence Modeling of protein sequence and biophysical properties (such as structural, functional, and spatial information, amino acid conservation, physicochemical variation, residue mobility, and thermodynamic stability) indicates that this missense variant is not expected to disrupt ARID1B protein function with a negative predictive value of 95%. In summary, the available evidence is currently insufficient to determine the role of this variant in disease. Therefore, it has been classified as a Variant of Uncertain Significance.

NM_001374828.1(ARID1B):c.258T>A (p.His86Gln)

Genes: ARID1B (AT-rich interaction domain 1B; plus strand), LOC115308161 (uncharacterized LOC115308161; minus strand), LOC129997523 (ATAC-STARR-seq lymphoblastoid silent region 17710; plus strand). Cytogenetic location: 6q25.3.
Variant type: single nucleotide variant.
Coding change: c.258T>A on transcript NM_001374828.1 (MANE Select); coding-DNA position 258, T replaced by A.
Protein change: p.His86Gln; replaces histidine 86 with glutamine.
Molecular consequence: missense variant.
Genome position (GRCh38, 1-based): chr6:156,777,938, T>A. VCF-style: chr6-156777938-T-A. GRCh37 (hg19) VCF-style: chr6-157099072-T-A.
Other names: c.9T>A, p.His3Gln (NM_001346813.1, NM_020732.3); c.258T>A, p.His86Gln (NM_001371656.1, NM_001374820.1, NM_017519.3); short protein forms H3Q, H86Q.
Identifiers: ClinVar variation 2772729 (VCV002772729.2), dbSNP rs1015147137, ClinGen allele CA150802679.